The following is an entry in ClinVar:

ClinVar aggregate classification (germline): Uncertain significance (1 of 4 stars; one submission).

Submission:

Labcorp Genetics (formerly Invitae), Labcorp
Classification: Uncertain significance. Last evaluated: 2024-03-16. Review status: criteria provided, single submitter. Criteria: Invitae Variant Classification Sherloc (09022015). Collection method: clinical testing. Allele origin: germline.
Comment: This sequence change replaces arginine, which is basic and polar, with tryptophan, which is neutral and slightly polar, at codon 313 of the CDK13 protein (p.Arg313Trp). This variant is not present in population databases (gnomAD no frequency). This variant has not been reported in the literature in individuals affected with CDK13-related conditions. Advanced modeling of protein sequence and biophysical properties (such as structural, functional, and spatial information, amino acid conservation, physicochemical variation, residue mobility, and thermodynamic stability) performed at Invitae indicates that this missense variant is not expected to disrupt CDK13 protein function with a negative predictive value of 95%. In summary, the available evidence is currently insufficient to determine the role of this variant in disease. Therefore, it has been classified as a Variant of Uncertain Significance.

NM_003718.5(CDK13):c.937C>T (p.Arg313Trp)

Gene: CDK13 (cyclin dependent kinase 13; plus strand). Cytogenetic location: 7p14.1.
Variant type: single nucleotide variant.
Coding change: c.937C>T on transcript NM_003718.5 (MANE Select); coding-DNA position 937, C replaced by T.
Protein change: p.Arg313Trp; replaces arginine 313 with tryptophan.
Molecular consequence: missense variant.
Genome position (GRCh38, 1-based): chr7:39,951,578, C>T. VCF-style: chr7-39951578-C-T. GRCh37 (hg19) VCF-style: chr7-39991177-C-T.
Other names: c.937C>T, p.Arg313Trp (NM_031267.4); short protein forms R313W.
Identifiers: ClinVar variation 3640718 (VCV003640718.2).